The following is an entry in ClinVar:

NM_000166.6(GJB1):c.120_121insCCACCAGCT (p.Ala40_Glu41insProProAla)

Gene: GJB1 (gap junction protein beta 1; plus strand). Cytogenetic location: Xq13.1.
Variant type: Insertion.
Coding change: c.120_121insCCACCAGCT on transcript NM_000166.6 (MANE Select); coding-DNA positions 120 to 121, CCACCAGCT inserted.
Protein change: p.Ala40_Glu41insProProAla.
Molecular consequence: inframe insertion.
Genome position: GRCh38 VCF-style: chrX-71223827-A-ACCACCAGCT. GRCh37 (hg19) VCF-style: chrX-70443677-A-ACCACCAGCT.
Other names: c.120_121insCCACCAGCT, p.Ala40_Glu41insProProAla (NM_001097642.3).
Identifiers: ClinVar variation 573908 (VCV000573908.8), dbSNP rs1569215082, ClinGen allele CA891844218.

ClinVar aggregate classification (germline): Uncertain significance (1 of 4 stars; one submission).

Conditions:
Charcot-Marie-Tooth Neuropathy X. Identifiers: MedGen CN118851.

Submission:

Labcorp Genetics (formerly Invitae), Labcorp
Classification: Uncertain significance for Charcot-Marie-Tooth Neuropathy X. Last evaluated: 2023-07-06. Review status: criteria provided, single submitter. Criteria: Invitae Variant Classification Sherloc (09022015). Collection method: clinical testing. Allele origin: germline.
Comment: In summary, the available evidence is currently insufficient to determine the role of this variant in disease. Therefore, it has been classified as a Variant of Uncertain Significance. Experimental studies and prediction algorithms are not available or were not evaluated, and the functional significance of this variant is currently unknown. ClinVar contains an entry for this variant (Variation ID: 573908). This variant has not been reported in the literature in individuals affected with GJB1-related conditions. This variant is not present in population databases (gnomAD no frequency). This variant, c.120_121insCCACCAGCT, results in the insertion of 3 amino acid(s) of the GJB1 protein (p.Ala40_Glu41insProProAla), but otherwise preserves the integrity of the reading frame.